The following is an entry in ClinVar:

NM_144997.7(FLCN):c.1175G>A (p.Arg392Gln)

Gene: FLCN (folliculin; minus strand). Cytogenetic location: 17p11.2.
Variant type: single nucleotide variant.
Coding change: c.1175G>A on transcript NM_144997.7 (MANE Select); coding-DNA position 1175, G replaced by A.
Protein change: p.Arg392Gln; replaces arginine 392 with glutamine.
Molecular consequence: missense variant.
Genome position (GRCh38, 1-based): chr17:17,217,070, C>T on the plus strand (G>A on the coding strand, the complement: FLCN is on the minus strand). VCF-style: chr17-17217070-C-T. GRCh37 (hg19) VCF-style: chr17-17120384-C-T.
Other names: c.1175G>A, p.Arg392Gln (NM_001353231.2, NM_001353230.2); c.1175G>A (LRG_325t1); c.1229G>A, p.Arg410Gln (NM_001353229.2); short protein forms R392Q, R410Q.
Identifiers: ClinVar variation 485590 (VCV000485590.11), dbSNP rs570066243, ClinGen allele CA8416129.

ClinVar aggregate classification (germline): Uncertain significance. Review status: criteria provided, multiple submitters, no conflicts (2 of 4 stars). 2 submissions from 2 submitters: Uncertain significance (2). Last evaluated 2025-01-27.

Conditions:
Birt-Hogg-Dube syndrome. Also called: Birt Hogg Dubé syndrome. Identifiers: Orphanet 122, MedGen C0346010, MONDO:0800444.
Hereditary cancer-predisposing syndrome. Also called: Hereditary neoplastic syndrome; Neoplastic Syndromes, Hereditary; Tumor predisposition; Hereditary Cancer Syndrome. Identifiers: Orphanet 140162, MedGen C0027672, MeSH D009386, MONDO:0015356.

Allele frequency attached by ClinVar (database versions not stated): 1000 Genomes Project below 0.00001; gnomAD exomes 0.00001; ExAC 0.00002.

Submissions (2):

Ambry Genetics
Classification: Uncertain significance for Hereditary cancer-predisposing syndrome. Last evaluated: 2025-01-27. Review status: criteria provided, single submitter. Criteria: Ambry Variant Classification Scheme 2023. Collection method: clinical testing. Allele origin: germline.
Comment: The p.R392Q variant (also known as c.1175G>A), located in coding exon 7 of the FLCN gene, results from a G to A substitution at nucleotide position 1175. The arginine at codon 392 is replaced by glutamine, an amino acid with highly similar properties. This amino acid position is not well conserved in available vertebrate species, and glutamine is the reference amino acid in other vertebrate species. In addition, this alteration is predicted to be tolerated by in silico analysis. Based on the available evidence, the clinical significance of this variant remains unclear.

Labcorp Genetics (formerly Invitae), Labcorp
Classification: Uncertain significance for Birt-Hogg-Dube syndrome. Last evaluated: 2024-03-06. Review status: criteria provided, single submitter. Criteria: Invitae Variant Classification Sherloc (09022015). Collection method: clinical testing. Allele origin: germline.
Comment: This sequence change replaces arginine, which is basic and polar, with glutamine, which is neutral and polar, at codon 392 of the FLCN protein (p.Arg392Gln). This variant is present in population databases (rs570066243, gnomAD 0.004%). This variant has not been reported in the literature in individuals affected with FLCN-related conditions. ClinVar contains an entry for this variant (Variation ID: 485590). An algorithm developed to predict the effect of missense changes on protein structure and function (PolyPhen-2) suggests that this variant is likely to be tolerated. In summary, the available evidence is currently insufficient to determine the role of this variant in disease. Therefore, it has been classified as a Variant of Uncertain Significance.